The following is an entry in ClinVar:

ClinVar aggregate classification (germline): Uncertain significance (1 of 4 stars; one submission).

gnomAD v4.1: 1 of 1,614,096 alleles (0.000062%); highest among the groups gnomAD compares: Non-Finnish European, 0.000085%; no homozygotes.

Submission:

Labcorp Genetics (formerly Invitae), Labcorp
Classification: Uncertain significance. Last evaluated: 2024-04-19. Review status: criteria provided, single submitter. Criteria: Invitae Variant Classification Sherloc (09022015). Collection method: clinical testing. Allele origin: germline.
Comment: This sequence change replaces arginine, which is basic and polar, with glutamine, which is neutral and polar, at codon 221 of the TAOK2 protein (p.Arg221Gln). This variant is present in population databases (rs756769478, gnomAD 0.007%). This variant has not been reported in the literature in individuals affected with TAOK2-related conditions. An algorithm developed to predict the effect of missense changes on protein structure and function (PolyPhen-2) suggests that this variant is likely to be disruptive. In summary, the available evidence is currently insufficient to determine the role of this variant in disease. Therefore, it has been classified as a Variant of Uncertain Significance.

NM_016151.4(TAOK2):c.662G>A (p.Arg221Gln)

Gene: TAOK2 (TAO kinase 2; plus strand). Cytogenetic location: 16p11.2.
Variant type: single nucleotide variant.
Coding change: c.662G>A on transcript NM_016151.4 (MANE Select); coding-DNA position 662, G replaced by A.
Protein change: p.Arg221Gln; replaces arginine 221 with glutamine.
Molecular consequence: missense variant.
Genome position (GRCh38, 1-based): chr16:29,981,667, G>A. VCF-style: chr16-29981667-G-A. GRCh37 (hg19) VCF-style: chr16-29992988-G-A.
Other names: c.662G>A, p.Arg221Gln (NM_001252043.2, NM_004783.4); short protein forms R221Q.
Identifiers: ClinVar variation 3615432 (VCV003615432.2).